The following is an entry in ClinVar:

ClinVar aggregate classification (germline): Uncertain significance (1 of 4 stars; one submission).

gnomAD v4.1: 3 of 1,612,764 alleles (0.00019%); highest among the groups gnomAD compares: African/African-American, 0.0027%; no homozygotes.

Submission:

GeneDx
Classification: Uncertain significance. Last evaluated: 2024-10-07. Review status: criteria provided, single submitter. Criteria: GeneDx Variant Classification Process June 2021. Collection method: clinical testing. Allele origin: germline. Affected: yes.
Comment: Not observed at significant frequency in large population cohorts (gnomAD); In silico analysis indicates that this missense variant does not alter protein structure/function; Has not been previously published as pathogenic or benign to our knowledge

NM_001394062.1(MACF1):c.17630C>T (p.Ala5877Val)

Gene: MACF1 (microtubule actin crosslinking factor 1; plus strand). Cytogenetic location: 1p34.3.
Variant type: single nucleotide variant.
Coding change: c.17630C>T on transcript NM_001394062.1 (MANE Select); coding-DNA position 17630, C replaced by T.
Protein change: p.Ala5877Val; replaces alanine 5877 with valine.
Molecular consequence: missense variant.
Genome position (GRCh38, 1-based): chr1:39,434,478, C>T. VCF-style: chr1-39434478-C-T. GRCh37 (hg19) VCF-style: chr1-39900150-C-T.
Other names: c.5699C>T, p.Ala1900Val (NM_001397473.1); c.11444C>T, p.Ala3815Val (NM_012090.5); short protein forms A1900V, A3815V, A5877V.
Identifiers: ClinVar variation 3776729 (VCV003776729.1).
Genomic context (GRCh38, chr1:39,434,478, plus strand): 5'-AGACAGAGTCTCTAATACAGCAATATGAAGCCATTAGCCTACTCAATTCAGAGCGTTATG[C>T]CCGCCTAGAGCGGGCCCAGGTCTTAGTAAACCAGTTTTGGGAAACTTATGAAGAGCTCAG-3'
Protein context (NP_001380991.1, residues 5867-5887): AISLLNSERY[Ala5877Val]RLERAQVLVN